The following is an entry in ClinVar:

ClinVar aggregate classification (germline): Conflicting classifications of pathogenicity. Review status: criteria provided, conflicting classifications (1 of 4 stars). 2 submissions from 2 submitters: Uncertain significance (1); Likely benign (1). Last evaluated 2025-12-29.

Conditions:
Shprintzen-Goldberg syndrome (SGS). Also called: SHPRINTZEN-GOLDBERG CRANIOSYNOSTOSIS SYNDROME; CRANIOSYNOSTOSIS WITH ARACHNODACTYLY AND ABDOMINAL HERNIAS; Marfanoid disorder with craniosynostosis type 1; Marfanoid craniosynostosis syndrome; Shprintzen-Goldberg marfanoid syndrome. Identifiers: Orphanet 2462, MedGen C1321551, MONDO:0008426, OMIM 182212.
Familial thoracic aortic aneurysm and aortic dissection (TAAD). Also called: Thoracic aortic aneurysms and dissections. Identifiers: Orphanet 91387, MedGen C4707243, MONDO:0019625.

Allele frequency attached by ClinVar (database versions not stated): TOPMed 0.00002; gnomAD 0.00002; ESP Exome Variant Server 0.00008.
gnomAD v4.1: 26 of 1,612,400 alleles (0.0016%); highest among the groups gnomAD compares: Admixed American, 0.0033%; no homozygotes.

Submissions (2):

Labcorp Genetics (formerly Invitae), Labcorp
Classification: Likely benign for Shprintzen-Goldberg syndrome. Last evaluated: 2025-12-29. Review status: criteria provided, single submitter. Criteria: Invitae Variant Classification Sherloc (09022015). Collection method: clinical testing. Allele origin: germline.

Ambry Genetics
Classification: Uncertain significance for Familial thoracic aortic aneurysm and aortic dissection. Last evaluated: 2024-12-21. Review status: criteria provided, single submitter. Criteria: Ambry Variant Classification Scheme 2023. Collection method: clinical testing. Allele origin: germline.
Comment: The p.T461I variant (also known as c.1382C>T), located in coding exon 4 of the SKI gene, results from a C to T substitution at nucleotide position 1382. The threonine at codon 461 is replaced by isoleucine, an amino acid with similar properties. This amino acid position is conserved. In addition, this alteration is predicted to be tolerated by in silico analysis. Based on the available evidence, the clinical significance of this variant remains unclear.

NM_003036.4(SKI):c.1382C>T (p.Thr461Ile)

Gene: SKI (SKI proto-oncogene; plus strand). Cytogenetic location: 1p36.32.
Variant type: single nucleotide variant.
Coding change: c.1382C>T on transcript NM_003036.4 (MANE Select); coding-DNA position 1382, C replaced by T.
Protein change: p.Thr461Ile; replaces threonine 461 with isoleucine.
Molecular consequence: missense variant.
Genome position (GRCh38, 1-based): chr1:2,304,010, C>T. VCF-style: chr1-2304010-C-T. GRCh37 (hg19) VCF-style: chr1-2235449-C-T.
Other names: c.1382C>T (NM_003036.3); short protein forms T461I.
Identifiers: ClinVar variation 1438306 (VCV001438306.7), dbSNP rs141464453, ClinGen allele CA16896244.